The following is an entry in ClinVar:

NM_007294.4(BRCA1):c.139T>C (p.Cys47Arg)

Gene: BRCA1 (BRCA1 DNA repair associated; minus strand). Cytogenetic location: 17q21.31.
Variant type: single nucleotide variant.
Coding change: c.139T>C on transcript NM_007294.4 (MANE Select); coding-DNA position 139, T replaced by C.
Protein change: p.Cys47Arg; replaces cysteine 47 with arginine.
Molecular consequence: missense variant. On other transcripts: 5 prime UTR variant (1), non-coding transcript variant (1).
Genome position (GRCh38, 1-based): chr17:43,106,529, A>G on the plus strand (T>C on the coding strand, the complement: BRCA1 is on the minus strand). VCF-style: chr17-43106529-A-G. GRCh37 (hg19) VCF-style: chr17-41258546-A-G.
Other names: c.139T>C, p.Cys47Arg (NM_001407674.1, NM_001407675.1, NM_001407676.1 and 168 more transcripts); c.-3T>C (NM_001407692.1, NM_001407694.1, NM_001407695.1 and 99 more transcripts); c.-50T>C (NM_001407853.1, NM_001407879.1, NM_001407881.1 and 58 more transcripts); short protein forms C47R.
Identifiers: ClinVar variation 651975 (VCV000651975.18), dbSNP rs80357370, ClinGen allele CA10601875.

ClinVar aggregate classification (germline): Pathogenic/Likely pathogenic. Review status: criteria provided, multiple submitters, no conflicts (2 of 4 stars). 5 submissions from 5 submitters: Pathogenic (2); Likely pathogenic (2). 1 of the submissions does not count toward it. Last evaluated 2025-07-15.

Conditions:
Hereditary breast ovarian cancer syndrome. Also called: Hereditary breast and ovarian cancer syndrome (HBOC); Hereditary breast and ovarian cancer; BRCA1- and BRCA2-Associated Hereditary Breast and Ovarian Cancer; Breast and ovarian cancer; Hereditary breast and ovarian cancer syndrome; Hereditary breast and/or ovarian cancer syndrome. Identifiers: Orphanet 145, MedGen C0677776, MeSH D061325, MONDO:0003582. Disease mechanism: loss of function.
Breast-ovarian cancer, familial, susceptibility to, 1 (BROVCA1). Also called: OVARIAN CANCER, SUSCEPTIBILITY TO; BRCA1 Hereditary Breast and Ovarian Cancer. Identifiers: Orphanet 145, MedGen C2676676, MONDO:0011450, OMIM 604370. Disease mechanism: loss of function.
Familial cancer of breast. Also called: BREAST CANCER, FAMILIAL; hereditary breast carcinoma; Hereditary breast cancer. Identifiers: Orphanet 227535, MedGen C0346153, MONDO:0016419, OMIM 114480. Disease mechanism: loss of function.
BRCA1-related disorder. Also called: BRCA1-related condition.

Submissions (6):

Department of Clinical Genetics, Copenhagen University Hospital, Rigshospitalet
Classification: Likely pathogenic for Familial cancer of breast. Last evaluated: 2025-07-15. Review status: criteria provided, single submitter. Criteria: ACMG Guidelines, 2015. Collection method: clinical testing. Allele origin: germline.
Comment: The following ACMG criteria has been used: PM2_SUP; PP3; PS3

Labcorp Genetics (formerly Invitae), Labcorp
Classification: Pathogenic for Hereditary breast ovarian cancer syndrome. Last evaluated: 2024-01-04. Review status: criteria provided, single submitter. Criteria: Invitae Variant Classification Sherloc (09022015). Collection method: clinical testing. Allele origin: germline.
Comment: This sequence change replaces cysteine, which is neutral and slightly polar, with arginine, which is basic and polar, at codon 47 of the BRCA1 protein (p.Cys47Arg). This variant is not present in population databases (gnomAD no frequency). This missense change has been observed in individual(s) with breast, lung, gastric and other cancers (PMID: 30032850). ClinVar contains an entry for this variant (Variation ID: 651975). Advanced modeling performed at Invitae incorporating data from internal and/or published experimental studies (PMID: 30209399) indicates that this missense variant is expected to disrupt BRCA1 function with a positive predictive value of 95%. Experimental studies have shown that this missense change affects BRCA1 function (PMID: 22843421, 25823446, 30209399). This variant disrupts the p.Cys47 amino acid residue in BRCA1. Other variant(s) that disrupt this residue have been determined to be pathogenic (PMID: 12698193, 21922593, 25823446, 27495310, 29339979, 29446198, 30209399). This suggests that this residue is clinically significant, and that variants that disrupt this residue are likely to be disease-causing. For these reasons, this variant has been classified as Pathogenic.

Blueprint Genetics
Classification: Likely pathogenic for BRCA1-related disorders. Last evaluated: 2023-01-18. Review status: criteria provided, single submitter. Criteria: ACMG Guidelines, 2015. Collection method: clinical testing. Allele origin: germline. Affected: yes. Observed: 1 variant allele.

Breast Center, Key Laboratory of Carcinogenesis and Translational Research
Classification: Pathogenic for Hereditary breast and ovarian cancer syndrome. Last evaluated: 2020-05-01. Review status: criteria provided, single submitter. Criteria: ACMG Guidelines, 2015. Collection method: clinical testing. Allele origin: germline. Observed: 1 variant allele.

Molecular Oncology, Hospital Universitario Central de Asturias (HUCA)
Classification: Pathogenic for Breast-ovarian cancer, familial, susceptibility to, 1. Last evaluated: 2021-05-24. Review status: no assertion criteria provided. Collection method: case-control. Allele origin: germline. Affected: yes. Not counted in ClinVar's aggregate classification.

Brotman Baty Institute, University of Washington
No classification provided (evidence only). Condition: Breast-ovarian cancer, familial 1. Review status: no classification provided. Collection method: in vitro. Allele origin: not applicable. Functional consequence: functionally_abnormal. Not counted in ClinVar's aggregate classification.
ClinVar note: "not provided" was previously submitted as the classification for the variant. However, the classification appeared to be based only on an observation of functional data so it was converted to no classification on 2025-07-30.

Literature cited by the submitters: PubMed 30209399 (cited by 3 submitters); PubMed 25823446 (cited by Department of Clinical Genetics, Copenhagen University Hospital, Rigshospitalet and Labcorp Genetics (formerly Invitae), Labcorp); PubMed 30032850 (cited by Labcorp Genetics (formerly Invitae), Labcorp); PubMed 22843421 (cited by Labcorp Genetics (formerly Invitae), Labcorp); PubMed 12698193 (cited by Labcorp Genetics (formerly Invitae), Labcorp); PubMed 21922593 (cited by Labcorp Genetics (formerly Invitae), Labcorp); PubMed 27495310 (cited by Labcorp Genetics (formerly Invitae), Labcorp); PubMed 29339979 (cited by Labcorp Genetics (formerly Invitae), Labcorp); PubMed 29446198 (cited by Labcorp Genetics (formerly Invitae), Labcorp); PubMed 38922859 (cited by Molecular Oncology, Hospital Universitario Central de Asturias (HUCA)).